The following is an entry in ClinVar:

NM_003072.5(SMARCA4):c.308A>G (p.His103Arg)

Gene: SMARCA4 (SWI/SNF related BAF chromatin remodeling complex subunit ATPase 4; plus strand). Cytogenetic location: 19p13.2.
Variant type: single nucleotide variant.
Coding change: c.308A>G on transcript NM_003072.5 (MANE Select); coding-DNA position 308, A replaced by G.
Protein change: p.His103Arg; replaces histidine 103 with arginine.
Molecular consequence: missense variant. On other transcripts: non-coding transcript variant (1).
Genome position (GRCh38, 1-based): chr19:10,985,358, A>G. VCF-style: chr19-10985358-A-G. GRCh37 (hg19) VCF-style: chr19-11096034-A-G.
Other names: c.308A>G, p.His103Arg (NM_001128844.3, NM_001128845.2, NM_001128846.2 and 5 more transcripts); short protein forms H103R.
Identifiers: ClinVar variation 470336 (VCV000470336.17), dbSNP rs770147215, ClinGen allele CA9203457.
Genomic context (GRCh38, chr19:10,985,358, plus strand): 5'-GCATGTCGGACGACCCGCGCTACAACCAGATGAAAGGAATGGGGATGCGGTCAGGGGGCC[A>G]TGCTGGGATGGGGCCCCCGCCCAGCCCCATGGACCAGCACTCCCAAGGTACAGAACTGCG-3'
Protein context (NP_003063.2, residues 93-113): MKGMGMRSGG[His103Arg]AGMGPPPSPM

ClinVar aggregate classification (germline): Uncertain significance. Review status: criteria provided, multiple submitters, no conflicts (2 of 4 stars). 6 submissions from 6 submitters: Uncertain significance (6). Last evaluated 2026-01-25.

Conditions:
Rhabdoid tumor predisposition syndrome 2 (RTPS2). Identifiers: Orphanet 231108, Orphanet 69077, MedGen C2750074, MONDO:0013224, OMIM 613325.
Hereditary cancer-predisposing syndrome. Also called: Hereditary neoplastic syndrome; Neoplastic Syndromes, Hereditary; Tumor predisposition; Hereditary Cancer Syndrome. Identifiers: Orphanet 140162, MedGen C0027672, MeSH D009386, MONDO:0015356.
Intellectual disability, autosomal dominant 16 (CSS4). Also called: COFFIN-SIRIS SYNDROME 4. Identifiers: Orphanet 1465, MedGen C3553249, MONDO:0013821, OMIM 614609.

Allele frequency attached by ClinVar (database versions not stated): gnomAD exomes below 0.00001 and 0.00001; ExAC 0.00001; gnomAD 0.00001; TOPMed 0.00001.
gnomAD v4.1: 14 of 1,613,884 alleles (0.00087%); highest among the groups gnomAD compares: East Asian, 0.0022%; no homozygotes.

Submissions (6):

Labcorp Genetics (formerly Invitae), Labcorp
Classification: Uncertain significance for Rhabdoid tumor predisposition syndrome 2. Last evaluated: 2026-01-25. Review status: criteria provided, single submitter. Criteria: Invitae Variant Classification Sherloc (09022015). Collection method: clinical testing. Allele origin: germline.
Comment: This sequence change replaces histidine, which is basic and polar, with arginine, which is basic and polar, at codon 103 of the SMARCA4 protein (p.His103Arg). This variant is present in population databases (rs770147215, gnomAD 0.0009%). This variant has not been reported in the literature in individuals affected with SMARCA4-related conditions. ClinVar contains an entry for this variant (Variation ID: 470336). Invitae Evidence Modeling of protein sequence and biophysical properties (such as structural, functional, and spatial information, amino acid conservation, physicochemical variation, residue mobility, and thermodynamic stability) indicates that this missense variant is not expected to disrupt SMARCA4 protein function with a negative predictive value of 80%. In summary, the available evidence is currently insufficient to determine the role of this variant in disease. Therefore, it has been classified as a Variant of Uncertain Significance.

Baylor Genetics
Classification: Uncertain significance for Rhabdoid tumor predisposition syndrome 2. Last evaluated: 2024-01-22. Review status: criteria provided, single submitter. Criteria: ACMG Guidelines, 2015. Collection method: clinical testing. Allele origin: unknown.

Ambry Genetics
Classification: Uncertain significance for Hereditary cancer-predisposing syndrome. Last evaluated: 2023-12-29. Review status: criteria provided, single submitter. Criteria: Ambry Variant Classification Scheme 2023. Collection method: clinical testing. Allele origin: germline.
Comment: The p.H103R variant (also known as c.308A>G), located in coding exon 2 of the SMARCA4 gene, results from an A to G substitution at nucleotide position 308. The histidine at codon 103 is replaced by arginine, an amino acid with highly similar properties. This amino acid position is highly conserved in available vertebrate species. In addition, the in silico prediction for this alteration is inconclusive. This variant has been detected in multiple individuals with no reported features of Coffin-Siris syndrome (Ambry internal data). Based on the supporting evidence, the association of this alteration with rhabdoid tumor predisposition syndrome is unknown; however, the association of this alteration with Coffin-Siris syndrome is unlikely.

GeneDx
Classification: Uncertain significance. Last evaluated: 2022-09-12. Review status: criteria provided, single submitter. Criteria: GeneDx Variant Classification Process June 2021. Collection method: clinical testing. Allele origin: germline. Affected: yes.
Comment: In silico analysis supports that this missense variant has a deleterious effect on protein structure/function; Has not been previously published as pathogenic or benign to our knowledge

Sema4
Classification: Uncertain significance for Hereditary cancer-predisposing syndrome. Last evaluated: 2021-12-28. Review status: criteria provided, single submitter. Criteria: Sema4 Curation Guidelines. Collection method: curation. Allele origin: germline.
Comment: To the best of our knowledge, the SMARCA4 c.308A>G (p.H103R) variant has not been reported in individuals with SMARCA4-related disease. This variant was observed in 1/113490 chromosomes in the European (non-Finnish) population, according to the Genome Aggregation Database (PMID: 32461654). This variant has been reported in ClinVar (Variation ID: 470336). Functional studies have not been performed, and in silico predictions of the variant's effect on protein function are inconclusive. The evidence is insufficient to meet ACMG/AMP criteria for classifying the variant as benign or pathogenic. Thus, the clinical significance of this variant is currently uncertain.

Genome-Nilou Lab
Classification: Uncertain significance for Intellectual disability, autosomal dominant 16. Last evaluated: 2021-07-15. Review status: criteria provided, single submitter. Criteria: ACMG Guidelines, 2015. Collection method: clinical testing. Allele origin: germline. Affected: no.